The following is an entry in ClinVar:

ClinVar aggregate classification (germline): Uncertain significance (1 of 4 stars; one submission).

Conditions:
Atrioventricular septal defect 5 (AVSD5). Identifiers: MedGen C3280939, MONDO:0013769, OMIM 614474.

gnomAD v4.1: 2 of 1,495,254 alleles (0.00013%); highest among the groups gnomAD compares: Non-Finnish European, 0.00018%; no homozygotes.

Submission:

Labcorp Genetics (formerly Invitae), Labcorp
Classification: Uncertain significance for Atrioventricular septal defect 5. Last evaluated: 2026-01-11. Review status: criteria provided, single submitter. Criteria: Invitae Variant Classification Sherloc (09022015). Collection method: clinical testing. Allele origin: germline.
Comment: This sequence change replaces valine, which is neutral and non-polar, with leucine, which is neutral and non-polar, at codon 189 of the GATA6 protein (p.Val189Leu). This variant is not present in population databases (gnomAD no frequency). This variant has not been reported in the literature in individuals affected with GATA6-related conditions. Invitae Evidence Modeling of protein sequence and biophysical properties (such as structural, functional, and spatial information, amino acid conservation, physicochemical variation, residue mobility, and thermodynamic stability) has been performed for this missense variant. However, the output from this modeling did not meet the statistical confidence thresholds required to predict the impact of this variant on GATA6 protein function. In summary, the available evidence is currently insufficient to determine the role of this variant in disease. Therefore, it has been classified as a Variant of Uncertain Significance.

NM_005257.6(GATA6):c.565G>C (p.Val189Leu)

Gene: GATA6 (GATA binding protein 6; plus strand). Cytogenetic location: 18q11.2.
Variant type: single nucleotide variant.
Coding change: c.565G>C on transcript NM_005257.6 (MANE Select); coding-DNA position 565, G replaced by C.
Protein change: p.Val189Leu; replaces valine 189 with leucine.
Molecular consequence: missense variant.
Genome position (GRCh38, 1-based): chr18:22,171,709, G>C. VCF-style: chr18-22171709-G-C. GRCh37 (hg19) VCF-style: chr18-19751670-G-C.
Other names: short protein forms V189L.
Identifiers: ClinVar variation 4810282 (VCV004810282.1).